The following is an entry in ClinVar:

NM_001395413.1(POR):c.1482G>A (p.Leu494=)

Gene: POR (cytochrome p450 oxidoreductase; plus strand). Cytogenetic location: 7q11.23.
Variant type: single nucleotide variant.
Coding change: c.1482G>A on transcript NM_001395413.1 (MANE Select); coding-DNA position 1482, G replaced by A.
Protein change: p.Leu494=; no amino-acid change (leucine 494 retained).
Molecular consequence: synonymous variant.
Genome position (GRCh38, 1-based): chr7:75,985,671, G>A. VCF-style: chr7-75985671-G-A. GRCh37 (hg19) VCF-style: chr7-75614989-G-A.
Other names: c.1482G>A, p.Leu494= (NM_001367562.3, NM_001382657.2, NM_001382658.3 and 1 more transcripts); c.1536G>A, p.Leu512= (NM_001382655.3); c.1332G>A, p.Leu444= (NM_001382662.3).
Identifiers: ClinVar variation 761467 (VCV000761467.31), dbSNP rs370326231, ClinGen allele CA456331097.

ClinVar aggregate classification (germline): Likely benign. Review status: criteria provided, multiple submitters, no conflicts (2 of 4 stars). 2 submissions from 2 submitters: Likely benign (2). Last evaluated 2023-10-25.

Conditions:
Congenital adrenal hyperplasia due to cytochrome P450 oxidoreductase deficiency. Also called: DISORDERED STEROIDOGENESIS DUE TO POR DEFICIENCY. Identifiers: Orphanet 95699, MedGen C1860042, MONDO:0013310, OMIM 613571.

gnomAD v4.1: 4 of 1,594,150 alleles (0.00025%); highest among the groups gnomAD compares: Non-Finnish European, 0.00034%; no homozygotes.

Submissions (2):

Labcorp Genetics (formerly Invitae), Labcorp
Classification: Likely benign for Congenital adrenal hyperplasia due to cytochrome P450 oxidoreductase deficiency. Last evaluated: 2023-10-25. Review status: criteria provided, single submitter. Criteria: Invitae Variant Classification Sherloc (09022015). Collection method: clinical testing. Allele origin: germline.

CeGaT Center for Human Genetics Tuebingen
Classification: Likely benign. Last evaluated: 2022-05-01. Review status: criteria provided, single submitter. Criteria: CeGaT Center For Human Genetics Tuebingen Variant Classification Criteria Version 2. Collection method: clinical testing. Allele origin: germline. Affected: yes. Observed: 1 variant allele.
Comment: POR: PM2:Supporting, BP4, BP7